The following is an entry in ClinVar:

ClinVar aggregate classification (germline): Uncertain significance (1 of 4 stars; one submission).

Submission:

Ambry Genetics
Classification: Uncertain significance. Last evaluated: 2025-12-07. Review status: criteria provided, single submitter. Criteria: Ambry Variant Classification Scheme 2023. Collection method: clinical testing. Allele origin: germline.
Comment: The p.K233E variant (also known as c.697A>G), located in coding exon 6 of the RAD51B gene, results from an A to G substitution at nucleotide position 697. The lysine at codon 233 is replaced by glutamic acid, an amino acid with similar properties. This amino acid position is conserved. In addition, this alteration is predicted to be tolerated by in silico analysis. Based on the available evidence, the clinical significance of this variant remains unclear.

NM_133510.4(RAD51B):c.697A>G (p.Lys233Glu)

Gene: RAD51B (RAD51 paralog B; plus strand). Cytogenetic location: 14q24.1.
Variant type: single nucleotide variant.
Coding change: c.697A>G on transcript NM_133510.4 (MANE Select); coding-DNA position 697, A replaced by G.
Protein change: p.Lys233Glu; replaces lysine 233 with glutamic acid.
Molecular consequence: missense variant.
Genome position (GRCh38, 1-based): chr14:67,887,145, A>G. VCF-style: chr14-67887145-A-G. GRCh37 (hg19) VCF-style: chr14-68353862-A-G.
Other names: c.697A>G, p.Lys233Glu (NM_001321819.1, NM_001321821.2, NM_002877.6 and 6 more transcripts); c.583A>G, p.Lys195Glu (NM_001321815.1); c.340A>G, p.Lys114Glu (NM_001321817.2); short protein forms K114E, K195E, K233E.
Identifiers: ClinVar variation 4575334 (VCV004575334.1).